The following is an entry in ClinVar:

ClinVar aggregate classification (germline): Likely benign. Review status: criteria provided, single submitter (1 of 4 stars). 2 submissions from 2 submitters: Likely benign (1). 1 of the submissions does not count toward it. Last evaluated 2024-02-11.

Conditions:
EVC-related disorder. Also called: EVC-related disorders; EVC-related condition.
Ellis-van Creveld syndrome (EVC). Also called: MESOECTODERMAL DYSPLASIA; Chondroectodermal dysplasia. Identifiers: Orphanet 289, MedGen C0013903, MONDO:0009162, OMIM 225500.
Curry-Hall syndrome (WAD). Also called: WEYERS ACRODENTAL DYSOSTOSIS. Identifiers: Orphanet 952, MedGen C0457013, MONDO:0008673, OMIM 193530.

Allele frequency attached by ClinVar (database versions not stated): gnomAD exomes 0.00001.
gnomAD v4.1: 3 of 1,613,918 alleles (0.00019%); highest among the groups gnomAD compares: Admixed American, 0.0033%; no homozygotes.

Submissions (2):

Labcorp Genetics (formerly Invitae), Labcorp
Classification: Likely benign for Curry-Hall syndrome; Ellis-van Creveld syndrome. Last evaluated: 2024-02-11. Review status: criteria provided, single submitter. Criteria: Invitae Variant Classification Sherloc (09022015). Collection method: clinical testing. Allele origin: germline.

PreventionGenetics, part of Exact Sciences
Classification: Likely benign for EVC-related condition. Last evaluated: 2022-01-19. Review status: no assertion criteria provided. Collection method: clinical testing. Allele origin: germline. Not counted in ClinVar's aggregate classification.
Comment: This variant is classified as likely benign based on ACMG/AMP sequence variant interpretation guidelines (Richards et al. 2015 PMID: 25741868, with internal and published modifications).

NM_153717.3(EVC):c.876G>A (p.Glu292=)

Gene: EVC (EvC ciliary complex subunit 1; plus strand). Cytogenetic location: 4p16.2.
Variant type: single nucleotide variant.
Coding change: c.876G>A on transcript NM_153717.3 (MANE Select); coding-DNA position 876, G replaced by A.
Protein change: p.Glu292=; no amino-acid change (glutamic acid 292 retained).
Molecular consequence: synonymous variant.
Genome position (GRCh38, 1-based): chr4:5,745,278, G>A. VCF-style: chr4-5745278-G-A. GRCh37 (hg19) VCF-style: chr4-5747005-G-A.
Other names: c.876G>A, p.Glu292= (NM_001306090.2, NM_001306092.2); c.876G>A (NM_153717.2).
Identifiers: ClinVar variation 1145744 (VCV001145744.12), dbSNP rs902304992, ClinGen allele CA438206009.